The following is an entry in ClinVar:

ClinVar aggregate classification (germline): Uncertain significance (1 of 4 stars; one submission).

Submission:

Labcorp Genetics (formerly Invitae), Labcorp
Classification: Uncertain significance. Last evaluated: 2025-12-09. Review status: criteria provided, single submitter. Criteria: Invitae Variant Classification Sherloc (09022015). Collection method: clinical testing. Allele origin: germline.
Comment: This sequence change replaces alanine, which is neutral and non-polar, with serine, which is neutral and polar, at codon 74 of the LEMD3 protein (p.Ala74Ser). This variant is not present in population databases (gnomAD no frequency). This variant has not been reported in the literature in individuals affected with LEMD3-related conditions. An algorithm developed to predict the effect of missense changes on protein structure and function (PolyPhen-2) suggests that this variant is likely to be tolerated. In summary, the available evidence is currently insufficient to determine the role of this variant in disease. Therefore, it has been classified as a Variant of Uncertain Significance.

NM_014319.5(LEMD3):c.220G>T (p.Ala74Ser)

Gene: LEMD3 (LEM domain containing 3; plus strand). Cytogenetic location: 12q14.3.
Variant type: single nucleotide variant.
Coding change: c.220G>T on transcript NM_014319.5 (MANE Select); coding-DNA position 220, G replaced by T.
Protein change: p.Ala74Ser; replaces alanine 74 with serine.
Molecular consequence: missense variant.
Genome position (GRCh38, 1-based): chr12:65,169,816, G>T. VCF-style: chr12-65169816-G-T. GRCh37 (hg19) VCF-style: chr12-65563596-G-T.
Other names: c.220G>T, p.Ala74Ser (NM_001167614.2); short protein forms A74S.
Identifiers: ClinVar variation 4732814 (VCV004732814.1).